The following is an entry in ClinVar:

NM_007294.4(BRCA1):c.1311T>A (p.His437Gln)

Gene: BRCA1 (BRCA1 DNA repair associated; minus strand). Cytogenetic location: 17q21.31.
Variant type: single nucleotide variant.
Coding change: c.1311T>A on transcript NM_007294.4 (MANE Select); coding-DNA position 1311, T replaced by A.
Protein change: p.His437Gln; replaces histidine 437 with glutamine.
Molecular consequence: missense variant. On other transcripts: intron variant (137).
Genome position (GRCh38, 1-based): chr17:43,094,220, A>T on the plus strand (T>A on the coding strand, the complement: BRCA1 is on the minus strand). VCF-style: chr17-43094220-A-T. GRCh37 (hg19) VCF-style: chr17-41246237-A-T.
Other names: c.1170T>A, p.His390Gln (NM_001407737.1, NM_001407738.1, NM_001407739.1 and 29 more transcripts); c.1167T>A, p.His389Gln (NM_001407740.1, NM_001407741.1, NM_001407742.1 and 20 more transcripts); c.1308T>A, p.His436Gln (NM_001407630.1, NM_001407631.1, NM_001407632.1 and 22 more transcripts); c.1311T>A, p.His437Gln (NM_001407619.1, NM_001407620.1, NM_001407621.1 and 30 more transcripts); c.1098T>A, p.His366Gln (NM_001407853.1, NM_001407571.1, NM_001407894.1 and 9 more transcripts); c.1302T>A, p.His434Gln (NM_001407646.1, NM_001407647.1); c.1188T>A, p.His396Gln (NM_001407648.1, NM_001407664.1, NM_001407665.1 and 19 more transcripts); c.1185T>A, p.His395Gln (NM_001407649.1, NM_001407670.1, NM_001407671.1 and 11 more transcripts); and 40 more; short protein forms H141Q, H269Q, H309Q, H310Q, H325Q, H326Q, H348Q, H349Q.
Identifiers: ClinVar variation 1722233 (VCV001722233.8), dbSNP rs2154459567, ClinGen allele CA10599431.
Genomic context (GRCh38, chr17:43,094,220, plus strand): 5'-TTCAATATTACTCTCTACTGATTTGGAGTGAACTCTTTCACTTTTACATATTAAAGCCTC[A>T]TGAGGATCACTGGCCAGTAAGTCTATTTTCTCTGAAGAACCAGAATATTCATCTACCTCA-3'
Protein context (NP_009225.1, residues 427-447): EKIDLLASDP[His437Gln]EALICKSERV

ClinVar aggregate classification (germline): Conflicting classifications of pathogenicity. Review status: criteria provided, conflicting classifications (1 of 4 stars). 2 submissions from 2 submitters: Uncertain significance (1); Likely benign (1). Last evaluated 2023-03-23.

Conditions:
Hereditary cancer-predisposing syndrome. Also called: Neoplastic Syndromes, Hereditary; Tumor predisposition; Hereditary neoplastic syndrome; Hereditary Cancer Syndrome. Identifiers: Orphanet 140162, MedGen C0027672, MeSH D009386, MONDO:0015356.
Hereditary breast ovarian cancer syndrome. Also called: BRCA1- and BRCA2-Associated Hereditary Breast and Ovarian Cancer; Hereditary breast and ovarian cancer syndrome (HBOC); Hereditary breast and ovarian cancer syndrome; Hereditary breast and ovarian cancer; Hereditary breast and/or ovarian cancer syndrome; Breast and ovarian cancer. Identifiers: Orphanet 145, MedGen C0677776, MeSH D061325, MONDO:0003582. Disease mechanism: loss of function.

Submissions (2):

University of Washington Department of Laboratory Medicine, University of Washington
Classification: Likely benign for Hereditary cancer-predisposing syndrome. Last evaluated: 2023-03-23. Review status: criteria provided, single submitter. Criteria: Dines et al. (Genet Med. 2020). Collection method: curation. Allele origin: germline.
Comment: Missense variant in a coldspot region where missense variants are very unlikely to be pathogenic (PMID:31911673).

BRCA1 coldspot (exon 11 using historical exon numbering). Reclassification based on statistical prior probability

Labcorp Genetics (formerly Invitae), Labcorp
Classification: Uncertain significance for Hereditary breast ovarian cancer syndrome. Last evaluated: 2022-10-26. Review status: criteria provided, single submitter. Criteria: Invitae Variant Classification Sherloc (09022015). Collection method: clinical testing. Allele origin: germline.
Comment: This sequence change replaces histidine, which is basic and polar, with glutamine, which is neutral and polar, at codon 437 of the BRCA1 protein (p.His437Gln). This variant is not present in population databases (gnomAD no frequency). This variant has not been reported in the literature in individuals affected with BRCA1-related conditions. Advanced modeling of protein sequence and biophysical properties (such as structural, functional, and spatial information, amino acid conservation, physicochemical variation, residue mobility, and thermodynamic stability) performed at Invitae indicates that this missense variant is not expected to disrupt BRCA1 protein function. In summary, the available evidence is currently insufficient to determine the role of this variant in disease. Therefore, it has been classified as a Variant of Uncertain Significance.